The following is an entry in ClinVar:

NM_020922.5(WNK3):c.2853T>A (p.Ser951Arg)

Gene: WNK3 (WNK lysine deficient protein kinase 3; minus strand). Cytogenetic location: Xp11.22.
Variant type: single nucleotide variant.
Coding change: c.2853T>A on transcript NM_020922.5 (MANE Select); coding-DNA position 2853, T replaced by A.
Protein change: p.Ser951Arg; replaces serine 951 with arginine.
Molecular consequence: missense variant.
Genome position (GRCh38, 1-based): chrX:54,249,495, A>T on the plus strand (T>A on the coding strand, the complement: WNK3 is on the minus strand). VCF-style: chrX-54249495-A-T. GRCh37 (hg19) VCF-style: chrX-54275928-A-T.
Other names: c.2853T>A, p.Ser951Arg (NM_001002838.4, NM_001395166.1); short protein forms S951R.
Identifiers: ClinVar variation 2751298 (VCV002751298.3), dbSNP rs2520606757, ClinGen allele CA413352310.

ClinVar aggregate classification (germline): Uncertain significance (1 of 4 stars; one submission).

Submission:

Labcorp Genetics (formerly Invitae), Labcorp
Classification: Uncertain significance. Last evaluated: 2023-08-09. Review status: criteria provided, single submitter. Criteria: Invitae Variant Classification Sherloc (09022015). Collection method: clinical testing. Allele origin: germline.
Comment: In summary, the available evidence is currently insufficient to determine the role of this variant in disease. Therefore, it has been classified as a Variant of Uncertain Significance. An algorithm developed to predict the effect of missense changes on protein structure and function (PolyPhen-2) suggests that this variant is likely to be disruptive. This variant has not been reported in the literature in individuals affected with WNK3-related conditions. This variant is not present in population databases (gnomAD no frequency). This sequence change replaces serine, which is neutral and polar, with arginine, which is basic and polar, at codon 951 of the WNK3 protein (p.Ser951Arg).